The following is an entry in ClinVar:

ClinVar aggregate classification (germline): Uncertain significance (1 of 4 stars; one submission).

Submission:

Ambry Genetics
Classification: Uncertain significance. Last evaluated: 2025-08-29. Review status: criteria provided, single submitter. Criteria: Ambry Variant Classification Scheme 2023. Collection method: clinical testing. Allele origin: germline.
Comment: The p.K731T variant (also known as c.2192A>C), located in coding exon 15 of the RINT1 gene, results from an A to C substitution at nucleotide position 2192. The lysine at codon 731 is replaced by threonine, an amino acid with similar properties. This amino acid position is conserved. In addition, the in silico prediction for this alteration is inconclusive. Based on the available evidence, the clinical significance of this variant remains unclear.

NM_021930.6(RINT1):c.2192A>C (p.Lys731Thr)

Genes: EFCAB10 (EF-hand calcium binding domain 10; minus strand), RINT1 (RAD50 interactor 1; plus strand). Cytogenetic location: 7q22.3.
Variant type: single nucleotide variant.
Coding change: c.2192A>C on transcript NM_021930.6 (MANE Select); coding-DNA position 2192, A replaced by C.
Protein change: p.Lys731Thr; replaces lysine 731 with threonine.
Molecular consequence: missense variant. On other transcripts: non-coding transcript variant (1), intron variant (3), 3 prime UTR variant (2).
Genome position (GRCh38, 1-based): chr7:105,567,124, A>C. VCF-style: chr7-105567124-A-C. GRCh37 (hg19) VCF-style: chr7-105207571-A-C.
Other names: c.1169A>C, p.Lys390Thr (NM_001346600.2, NM_001346603.2); c.1268A>C, p.Lys423Thr (NM_001346601.2); c.360-1677T>G (NM_001355531.2); c.383+343T>G (NM_001355526.2, NM_001355530.2); c.*330T>G (NM_001355527.2, NM_001355529.2); c.1958A>C, p.Lys653Thr (NM_001346599.2); short protein forms K423T, K653T, K390T, K731T.
Identifiers: ClinVar variation 4154577 (VCV004154577.1).
Genomic context (GRCh38, chr7:105,567,124, plus strand): 5'-ATAATTGATGCAGATAATGGAGATCTCATTTCCCTCCTTTGTTTTCCCTAAACAGTATAA[A>C]AGAAGCCTGTATTGTTTTGAATTTGAACGTCGGTTCTGCACTACTGCTGAAAGATGTACT-3'
Protein context (NP_068749.3, residues 721-741): KRPENYFKHI[Lys731Thr]EACIVLNLNV